The following is an entry in ClinVar:

ClinVar aggregate classification (germline): Likely benign (1 of 4 stars; one submission).

Submission:

CeGaT Center for Human Genetics Tuebingen
Classification: Likely benign. Last evaluated: 2025-10-01. Review status: criteria provided, single submitter. Criteria: CeGaT Center For Human Genetics Tuebingen Variant Classification Criteria Version 2. Collection method: clinical testing. Allele origin: germline. Affected: yes. Observed: 1 variant allele.
Comment: PRAMEF7: BP4, BP7

NM_001012277.5(PRAMEF7):c.960A>G (p.Gln320=)

Gene: PRAMEF7 (PRAME family member 7; plus strand). Cytogenetic location: 1p36.21.
Variant type: single nucleotide variant.
Coding change: c.960A>G on transcript NM_001012277.5 (MANE Select); coding-DNA position 960, A replaced by G.
Protein change: p.Gln320=; no amino-acid change (glutamine 320 retained).
Molecular consequence: synonymous variant.
Genome position (GRCh38, 1-based): chr1:12,919,948, A>G. VCF-style: chr1-12919948-A-G. GRCh37 (hg19) VCF-style: chr1-12979768-A-G.
Identifiers: ClinVar variation 4533895 (VCV004533895.6).
Genomic context (GRCh38, chr1:12,919,948, plus strand): 5'-CGACTGCCTGCTGTCAGAGTCAGACTTGAAGCATCTCTCTTGGTGCCCGAGCATCCGTCA[A>G]TTAAAGGAGCTGGACCTGAGGGGTGTCACGCTGACCCATTTCAGCCCTGAGCCCCTCACA-3'
Protein context (NP_001012277.2, residues 310-330): KHLSWCPSIR[Gln320=]LKELDLRGVT